The following is an entry in ClinVar:

NM_017654.4(SAMD9):c.2300C>A (p.Thr767Lys)

Gene: SAMD9 (sterile alpha motif domain containing 9; minus strand). Cytogenetic location: 7q21.2.
Variant type: single nucleotide variant.
Coding change: c.2300C>A on transcript NM_017654.4 (MANE Select); coding-DNA position 2300, C replaced by A.
Protein change: p.Thr767Lys; replaces threonine 767 with lysine.
Molecular consequence: missense variant.
Genome position (GRCh38, 1-based): chr7:93,103,798, G>T on the plus strand (C>A on the coding strand, the complement: SAMD9 is on the minus strand). VCF-style: chr7-93103798-G-T. GRCh37 (hg19) VCF-style: chr7-92733111-G-T.
Other names: c.2300C>A, p.Thr767Lys (NM_001193307.2); short protein forms T767K.
Identifiers: ClinVar variation 1513631 (VCV001513631.8), dbSNP rs2116417794, ClinGen allele CA368191567.

ClinVar aggregate classification (germline): Likely pathogenic (1 of 4 stars; one submission).

Submission:

Labcorp Genetics (formerly Invitae), Labcorp
Classification: Likely pathogenic. Last evaluated: 2021-05-21. Review status: criteria provided, single submitter. Criteria: Invitae Variant Classification Sherloc (09022015). Collection method: clinical testing. Allele origin: germline.
Comment: In summary, the currently available evidence indicates that the variant is pathogenic, but additional data are needed to prove that conclusively. Therefore, this variant has been classified as Likely Pathogenic. Algorithms developed to predict the effect of missense changes on protein structure and function are either unavailable or do not agree on the potential impact of this missense change (SIFT: "Deleterious"; PolyPhen-2: "Possibly Damaging"; Align-GVGD: "Class C0"). This variant has been observed in individual(s) with MIRAGE syndrome (Invitae). In at least one individual the variant was observed to be de novo. This variant is not present in population databases (ExAC no frequency). This sequence change replaces threonine with lysine at codon 767 of the SAMD9 protein (p.Thr767Lys). The threonine residue is moderately conserved and there is a moderate physicochemical difference between threonine and lysine.